The following is an entry in ClinVar:

NM_017882.3(CLN6):c.198+104T>C

Gene: CLN6 (CLN6 transmembrane ER protein; minus strand). Cytogenetic location: 15q23.
Variant type: single nucleotide variant.
Coding change: c.198+104T>C on transcript NM_017882.3 (MANE Select); 104 bases into the intron after coding-DNA position 198, T replaced by C.
Molecular consequence: intron variant.
Genome position (GRCh38, 1-based): chr15:68,218,432, A>G on the plus strand (T>C on the coding strand, the complement: CLN6 is on the minus strand). VCF-style: chr15-68218432-A-G. GRCh37 (hg19) VCF-style: chr15-68510770-A-G.
Identifiers: ClinVar variation 560340 (VCV000560340.7), dbSNP rs8025947, ClinGen allele CA14084833.
Genomic context (GRCh38, chr15:68,218,432, plus strand): 5'-ACGGGCCAAGTCATAGAGCTAAGGATATGAAGGCATCCAGGCCTATTCTCTCAGTTTACT[A>G]GGAGATAAAGGAGAAGTGACTTGTCTAAGGTCACTCGGCAAATTCAAGCCACACTAAGTG-3'

ClinVar aggregate classification (germline): Benign. Review status: criteria provided, multiple submitters, no conflicts (2 of 4 stars). 4 submissions from 4 submitters: Benign (3). 1 of the submissions does not count toward it. Last evaluated 2024-07-15.

Conditions:
Ceroid lipofuscinosis, neuronal, 6A. Also called: Neuronal ceroid lipofuscinosis, late infantile, variant; Neuronal ceroid lipofuscinosis, Gypsy/Indian early juvenile variant; Neuronal ceroid lipofuscinosis 6; CLN6-Related Neuronal Ceroid-Lipofuscinosis. Identifiers: Orphanet 168491, Orphanet 228363, MedGen C5551375, MONDO:0011144, OMIM 601780.

Allele frequency attached by ClinVar (database versions not stated): 1000 Genomes Project 0.47604; 1000 Genomes Project 30x 0.48454; gnomAD 0.56247 and 0.57324; TOPMed 0.56832.
gnomAD v4.1: 449,049 of 841,062 alleles (53%); highest among the groups gnomAD compares: African/African-American, 64%; 123,602 homozygotes.

Submissions (4):

Unidad de Genómica Garrahan, Hospital de Pediatría Garrahan
Classification: Benign. Last evaluated: 2024-07-15. Review status: criteria provided, single submitter. Criteria: ACMG Guidelines, 2015. Collection method: clinical testing. Allele origin: germline. Affected: no. Observed: 28 variant alleles.
Comment: This variant is classified as Benign based on local population frequency. This variant was detected in 30% of patients studied in a panel designed for Epileptic and Developmental Encephalopathy and Progressive Myoclonus Epilepsy. Number of patients: 28. Only high quality variants are reported.

GeneDx
Classification: Benign. Last evaluated: 2018-06-25. Review status: criteria provided, single submitter. Criteria: GeneDx Variant Classification Process June 2021. Collection method: clinical testing. Allele origin: germline. Affected: yes.

Breakthrough Genomics
Classification: Benign. Review status: criteria provided, single submitter. Criteria: ACMG Guidelines, 2015. Collection method: not provided. Allele origin: germline. Inheritance: Autosomal recessive inheritance. Affected: yes.

Translational Research Program on Neuronal Ceroid Lipofuscinosis, Center for the Study of Inborn Errors of Metabolism
Classification: Benign for Ceroid lipofuscinosis, neuronal, 6A. Review status: no assertion criteria provided. Collection method: research. Allele origin: inherited. Affected: yes. Not counted in ClinVar's aggregate classification.
Comment: Intronic polymorphism